The following is an entry in ClinVar:

ClinVar aggregate classification (germline): Uncertain significance (1 of 4 stars; one submission).

Conditions:
Nephronophthisis. Also called: Juvenile Nephronophthisis. Identifiers: Orphanet 655, MedGen C0687120, MONDO:0019005, HP:0000090.

gnomAD v4.1: 6 of 1,583,106 alleles (0.00038%); highest among the groups gnomAD compares: Admixed American, 0.0088%; no homozygotes.

Submission:

Labcorp Genetics (formerly Invitae), Labcorp
Classification: Uncertain significance for Nephronophthisis. Last evaluated: 2022-01-27. Review status: criteria provided, single submitter. Criteria: Invitae Variant Classification Sherloc (09022015). Collection method: clinical testing. Allele origin: germline.
Comment: This sequence change affects codon 106 of the NPHP4 mRNA. It is a 'silent' change, meaning that it does not change the encoded amino acid sequence of the NPHP4 protein. The frequency data for this variant in the population databases is considered unreliable, as metrics indicate poor data quality at this position in the gnomAD database. This variant has not been reported in the literature in individuals affected with NPHP4-related conditions. Algorithms developed to predict the effect of sequence changes on RNA splicing suggest that this variant may create or strengthen a splice site. In summary, the available evidence is currently insufficient to determine the role of this variant in disease. Therefore, it has been classified as a Variant of Uncertain Significance.

NM_015102.5(NPHP4):c.318C>A (p.Ile106=)

Gene: NPHP4 (nephrocystin 4; minus strand). Cytogenetic location: 1p36.31.
Variant type: single nucleotide variant.
Coding change: c.318C>A on transcript NM_015102.5 (MANE Select); coding-DNA position 318, C replaced by A.
Protein change: p.Ile106=; no amino-acid change (isoleucine 106 retained).
Molecular consequence: synonymous variant. On other transcripts: 5 prime UTR variant (2), non-coding transcript variant (1).
Genome position (GRCh38, 1-based): chr1:5,969,221, G>T on the plus strand (C>A on the coding strand, the complement: NPHP4 is on the minus strand). VCF-style: chr1-5969221-G-T. GRCh37 (hg19) VCF-style: chr1-6029281-G-T.
Other names: c.-912C>A (NM_001291593.2); c.-1049C>A (NM_001291594.2).
Identifiers: ClinVar variation 2040548 (VCV002040548.1), dbSNP rs371207410, ClinGen allele CA554872.